The following is an entry in ClinVar:

NM_001256545.2(MEGF10):c.461G>T (p.Cys154Phe)

Gene: MEGF10 (multiple EGF like domains 10; plus strand). Cytogenetic location: 5q23.2.
Variant type: single nucleotide variant.
Coding change: c.461G>T on transcript NM_001256545.2 (MANE Select); coding-DNA position 461, G replaced by T.
Protein change: p.Cys154Phe; replaces cysteine 154 with phenylalanine.
Molecular consequence: missense variant.
Genome position (GRCh38, 1-based): chr5:127,396,580, G>T. VCF-style: chr5-127396580-G-T. GRCh37 (hg19) VCF-style: chr5-126732272-G-T.
Other names: c.461G>T, p.Cys154Phe (NM_001308119.2, NM_001308121.2, NM_032446.3); short protein forms C154F.
Identifiers: ClinVar variation 1017144 (VCV001017144.14), dbSNP rs1763921776, ClinGen allele CA360718098.
Genomic context (GRCh38, chr5:127,396,580, plus strand): 5'-CCTCAATCTCAGCCTGCGATGGTGATCACTGGGGTCCCCACTGCACCAGCCGGTGCCAGT[G>T]CAAAAATGGGGCTCTGTGCAACCCCATCACCGGGGCTTGCCACTGTGCTGCGGGCTTCCG-3'
Protein context (NP_001243474.1, residues 144-164): WGPHCTSRCQ[Cys154Phe]KNGALCNPIT

ClinVar aggregate classification (germline): Uncertain significance (1 of 4 stars; one submission).

Conditions:
MEGF10-related myopathy (CMYO10A). Also called: Congenital myopathy 10A, severe variant. Identifiers: Orphanet 439212, MedGen C3280679, MONDO:0013731, OMIM 614399.

Submission:

Labcorp Genetics (formerly Invitae), Labcorp
Classification: Uncertain significance for MEGF10-related myopathy. Last evaluated: 2022-02-24. Review status: criteria provided, single submitter. Criteria: Invitae Variant Classification Sherloc (09022015). Collection method: clinical testing. Allele origin: germline.
Comment: This sequence change replaces cysteine, which is neutral and slightly polar, with phenylalanine, which is neutral and non-polar, at codon 154 of the MEGF10 protein (p.Cys154Phe). This variant is not present in population databases (gnomAD no frequency). This variant has not been reported in the literature in individuals affected with MEGF10-related conditions. ClinVar contains an entry for this variant (Variation ID: 1017144). Algorithms developed to predict the effect of missense changes on protein structure and function (SIFT, PolyPhen-2, Align-GVGD) all suggest that this variant is likely to be disruptive. In summary, the available evidence is currently insufficient to determine the role of this variant in disease. Therefore, it has been classified as a Variant of Uncertain Significance.